The following is an entry in ClinVar:

NM_001379270.1(CNGA1):c.1606G>A (p.Asp536Asn)

Genes: CNGA1 (cyclic nucleotide gated channel subunit alpha 1; minus strand), LOC101927157 (uncharacterized LOC101927157; plus strand). Cytogenetic location: 4p12.
Variant type: single nucleotide variant.
Coding change: c.1606G>A on transcript NM_001379270.1 (MANE Select); coding-DNA position 1606, G replaced by A.
Protein change: p.Asp536Asn; replaces aspartic acid 536 with asparagine.
Molecular consequence: missense variant.
Genome position (GRCh38, 1-based): chr4:47,936,876, C>T on the plus strand (G>A on the coding strand, the complement: CNGA1 is on the minus strand). VCF-style: chr4-47936876-C-T. GRCh37 (hg19) VCF-style: chr4-47938893-C-T.
Other names: c.1606G>A, p.Asp536Asn (NM_000087.5, NM_001142564.2); short protein forms D536N.
Identifiers: ClinVar variation 348837 (VCV000348837.13), dbSNP rs370912894, ClinGen allele CA2911042.
Genomic context (GRCh38, chr4:47,936,876, plus strand): 5'-GATTGCCAGCTTTGCTCCCTTTAATGTTAAGAATGCTGATCTCACCGAAGTAGCTGCCAT[C>T]GCTCAATACCACAAACTGAGTGACTCCATCATCTGCCACCACAGCGAGTTTGCCTTCCTT-3'
Protein context (NP_001366199.1, residues 526-546): DGVTQFVVLS[Asp536Asn]GSYFGEISIL

ClinVar aggregate classification (germline): Uncertain significance. Review status: criteria provided, multiple submitters, no conflicts (2 of 4 stars). 3 submissions from 3 submitters: Uncertain significance (3). Last evaluated 2025-09-02.

Conditions:
Inborn genetic diseases. Identifiers: MedGen C0950123, MeSH D030342.

Allele frequency attached by ClinVar (database versions not stated): ExAC 0.00005; gnomAD exomes 0.00005 and 0.00003; ESP Exome Variant Server 0.00008; gnomAD 0.00002 and 0.00001; TOPMed 0.00002.
gnomAD v4.1: 40 of 1,613,994 alleles (0.0025%); highest among the groups gnomAD compares: Admixed American, 0.012%; no homozygotes.

Submissions (3):

Labcorp Genetics (formerly Invitae), Labcorp
Classification: Uncertain significance. Last evaluated: 2025-09-02. Review status: criteria provided, single submitter. Criteria: Invitae Variant Classification Sherloc (09022015). Collection method: clinical testing. Allele origin: germline.
Comment: This sequence change replaces aspartic acid, which is acidic and polar, with asparagine, which is neutral and polar, at codon 540 of the CNGA1 protein (p.Asp540Asn). This variant is present in population databases (rs370912894, gnomAD 0.01%). This variant has not been reported in the literature in individuals affected with CNGA1-related conditions. ClinVar contains an entry for this variant (Variation ID: 348837). Invitae Evidence Modeling of protein sequence and biophysical properties (such as structural, functional, and spatial information, amino acid conservation, physicochemical variation, residue mobility, and thermodynamic stability) indicates that this missense variant is not expected to disrupt CNGA1 protein function with a negative predictive value of 80%. In summary, the available evidence is currently insufficient to determine the role of this variant in disease. Therefore, it has been classified as a Variant of Uncertain Significance.

Ambry Genetics
Classification: Uncertain significance for Inborn genetic diseases. Last evaluated: 2025-05-18. Review status: criteria provided, single submitter. Criteria: Ambry Variant Classification Scheme 2023. Collection method: clinical testing. Allele origin: germline.

Blueprint Genetics
Classification: Uncertain significance. Last evaluated: 2023-06-06. Review status: criteria provided, single submitter. Criteria: ACMG Guidelines, 2015. Collection method: clinical testing. Allele origin: germline.